The following is an entry in ClinVar:

ClinVar aggregate classification (germline): Uncertain significance (1 of 4 stars; one submission).

Allele frequency attached by ClinVar (database versions not stated): gnomAD exomes below 0.00001; ExAC 0.00001; gnomAD 0.00001.
gnomAD v4.1: 2 of 1,613,698 alleles (0.00012%); highest among the groups gnomAD compares: African/African-American, 0.0027%; no homozygotes.

Submission:

Labcorp Genetics (formerly Invitae), Labcorp
Classification: Uncertain significance. Last evaluated: 2020-10-03. Review status: criteria provided, single submitter. Criteria: Invitae Variant Classification Sherloc (09022015). Collection method: clinical testing. Allele origin: germline.
Comment: This variant is present in population databases (rs750752125, ExAC 0.002%). In summary, the available evidence is currently insufficient to determine the role of this variant in disease. Therefore, it has been classified as a Variant of Uncertain Significance. Algorithms developed to predict the effect of missense changes on protein structure and function are either unavailable or do not agree on the potential impact of this missense change (SIFT: "Tolerated"; PolyPhen-2: "Possibly Damaging"; Align-GVGD: "Class C0"). This variant has not been reported in the literature in individuals with MPLKIP-related conditions. This sequence change replaces phenylalanine with leucine at codon 178 of the MPLKIP protein (p.Phe178Leu). The phenylalanine residue is highly conserved and there is a small physicochemical difference between phenylalanine and leucine.

NM_138701.4(MPLKIP):c.532T>C (p.Phe178Leu)

Gene: MPLKIP (M-phase specific PLK1 interacting protein; minus strand). Cytogenetic location: 7p14.1.
Variant type: single nucleotide variant.
Coding change: c.532T>C on transcript NM_138701.4 (MANE Select); coding-DNA position 532, T replaced by C.
Protein change: p.Phe178Leu; replaces phenylalanine 178 with leucine.
Molecular consequence: missense variant.
Genome position (GRCh38, 1-based): chr7:40,133,067, A>G on the plus strand (T>C on the coding strand, the complement: MPLKIP is on the minus strand). VCF-style: chr7-40133067-A-G. GRCh37 (hg19) VCF-style: chr7-40172666-A-G.
Other names: short protein forms F178L.
Identifiers: ClinVar variation 1060067 (VCV001060067.9), dbSNP rs750752125, ClinGen allele CA4229158.
Genomic context (GRCh38, chr7:40,133,067, plus strand): 5'-TTTGTCCAAGATGTTCCTGACACATGAAGCTTCCAGTTGAATTTCAGAAATGTTAACAAA[A>G]GTATCTTCCTTTTTTGCCTGTGAATGTTTGAGTATTGCTGTATTGTTGGCTTATATCCAC-3'
Protein context (NP_619646.1, residues 168-179): QTFTGKKGRY[Phe178Leu]C